The following is an entry in ClinVar:

ClinVar aggregate classification (germline): Pathogenic (1 of 4 stars; one submission).

Conditions:
Retinoblastoma (RB1). Also called: RETINOBLASTOMA, SOMATIC. Identifiers: Orphanet 790, MedGen C0035335, MeSH D012175, MONDO:0008380, OMIM 180200, HP:0009919. Disease mechanism: loss of function. Inheritance: Both sporadic and heritable forms are tested..

Submission:

Diller/Parad Lab, Dana-Farber/Harvard Cancer Center
Classification: Pathogenic for Retinoblastoma. Last evaluated: 2026-05-29. Review status: criteria provided, single submitter. Criteria: ACMG Guidelines, 2015. Collection method: research. Allele origin: germline. Affected: yes.
Comment: It has been classified as Pathogenic using Richards et al (PMID:25741868) based on the following evidence codes: PM2, PVS1, PP3.

NM_000321.3(RB1):c.1128-1G>T

Gene: RB1 (RB transcriptional corepressor 1; plus strand). Cytogenetic location: 13q14.2.
Variant type: single nucleotide variant.
Coding change: c.1128-1G>T on transcript NM_000321.3 (MANE Select); the canonical splice acceptor site of the intron before coding-DNA position 1128, G replaced by T.
Molecular consequence: splice acceptor variant.
Genome position (GRCh38, 1-based): chr13:48,373,404, G>T. VCF-style: chr13-48373404-G-T. GRCh37 (hg19) VCF-style: chr13-48947540-G-T.
Other names: c.1128-1G>T (NM_001407165.1, NM_001407166.1).
Identifiers: ClinVar variation 4884454 (VCV004884454.1).